The following is an entry in ClinVar:

ClinVar aggregate classification (germline): Likely benign (1 of 4 stars; one submission).

Conditions:
Familial cancer of breast. Also called: hereditary breast carcinoma; Hereditary breast cancer; BREAST CANCER, FAMILIAL. Identifiers: Orphanet 227535, MedGen C0346153, MONDO:0016419, OMIM 114480. Disease mechanism: loss of function.

Submission:

Myriad Genetics, Inc.
Classification: Likely benign for Familial cancer of breast. Last evaluated: 2024-07-19. Review status: criteria provided, single submitter. Criteria: Myriad Autosomal Dominant, Autosomal Recessive and X-Linked Classification Criteria (2023). Collection method: clinical testing. Allele origin: unknown.
Comment: This variant is considered likely benign. This variant is intronic and is not expected to impact mRNA splicing.

NM_000465.4(BARD1):c.365-5G>T

Gene: BARD1 (BRCA1 associated RING domain 1; minus strand). Cytogenetic location: 2q35.
Variant type: single nucleotide variant.
Coding change: c.365-5G>T on transcript NM_000465.4 (MANE Select); 5 bases into the intron before coding-DNA position 365, G replaced by T.
Molecular consequence: intron variant.
Genome position (GRCh38, 1-based): chr2:214,781,514, C>A on the plus strand (G>T on the coding strand, the complement: BARD1 is on the minus strand). VCF-style: chr2-214781514-C-A. GRCh37 (hg19) VCF-style: chr2-215646238-C-A.
Other names: c.158+27898G>T (NM_001282548.2); c.308-5G>T (NM_001282543.2); c.215+15547G>T (NM_001282545.2); c.364+10783G>T (NM_001282549.2).
Identifiers: ClinVar variation 3378544 (VCV003378544.1).